The following is an entry in ClinVar:

ClinVar aggregate classification (germline): Pathogenic. Review status: criteria provided, multiple submitters, no conflicts (2 of 4 stars). 3 submissions from 3 submitters: Pathogenic (3). Last evaluated 2026-01-07.

Conditions:
Inborn genetic diseases. Identifiers: MedGen C0950123, MeSH D030342.
Ichthyosis vulgaris. Also called: ICHTHYOSIS SIMPLEX; Dominant ichthyosis vulgaris. Identifiers: MedGen C0079584, MONDO:0024304, OMIM 146700.

Submissions (3):

GeneDx
Classification: Pathogenic. Last evaluated: 2026-01-07. Review status: criteria provided, single submitter. Criteria: GeneDx Variant Classification Process June 2021. Collection method: clinical testing. Allele origin: germline. Affected: yes.
Comment: Frameshift variant in the C-terminus predicted to result in protein truncation, as the last 3450 amino acids are lost and replaced with 185 incorrect amino acids; Not observed at significant frequency in large population cohorts (gnomAD); Has not been previously published as pathogenic or benign to our knowledge; This variant is associated with the following publications: (PMID: 16444271)

Genome-Nilou Lab
Classification: Pathogenic for Ichthyosis vulgaris. Last evaluated: 2023-04-11. Review status: criteria provided, single submitter. Criteria: ACMG Guidelines, 2015. Collection method: clinical testing. Allele origin: germline. Affected: no.

Ambry Genetics
Classification: Pathogenic for Inborn genetic diseases. Last evaluated: 2019-10-04. Review status: criteria provided, single submitter. Criteria: Ambry exome assertion method (8-5-2015). Collection method: clinical testing. Allele origin: germline. Affected: yes. Observed: 1 variant allele.

NM_002016.2(FLG):c.1830del (p.Arg612fs)

Genes: FLG (filaggrin; minus strand), CCDST (cervical cancer associated DHX9 suppressive transcript; plus strand). Cytogenetic location: 1q21.3.
Variant type: Deletion.
Coding change: c.1830del on transcript NM_002016.2 (MANE Select); coding-DNA position 1830, one base deleted (G; older notation c.1830delG).
Protein change: p.Arg612fs; shifts the reading frame from arginine 612.
Molecular consequence: frameshift variant.
Genome position (GRCh38, 1-based): chr1:152,313,056, C deleted on the plus strand (G on the coding strand, the reverse complement: FLG is on the minus strand); the first of 4 consecutive C bases (chr1:152,313,056-152,313,059); deleting any one gives the same sequence. VCF-style (leftmost placement, unchanged base first): chr1-152313055-GC-G. GRCh37 (hg19) VCF-style: chr1-152285531-GC-G.
Other names: c.1830del (NM_002016.1); short protein forms R612fs.
Identifiers: ClinVar variation 818057 (VCV000818057.6), dbSNP rs1570913142, ClinGen allele CA915941430.